The following is an entry in ClinVar:

NM_058216.3(RAD51C):c.323A>G (p.Asp108Gly)

Gene: RAD51C (RAD51 paralog C; plus strand). Cytogenetic location: 17q22.
Variant type: single nucleotide variant.
Coding change: c.323A>G on transcript NM_058216.3 (MANE Select); coding-DNA position 323, A replaced by G.
Protein change: p.Asp108Gly; replaces aspartic acid 108 with glycine.
Molecular consequence: missense variant. On other transcripts: non-coding transcript variant (2).
Genome position (GRCh38, 1-based): chr17:58,695,108, A>G. VCF-style: chr17-58695108-A-G. GRCh37 (hg19) VCF-style: chr17-56772469-A-G.
Other names: c.323A>G, p.Asp108Gly (NM_002876.4); short protein forms D108G.
Identifiers: ClinVar variation 480494 (VCV000480494.27), dbSNP rs1555593745, ClinGen allele CA400341227.

ClinVar aggregate classification (germline): Conflicting classifications of pathogenicity. Review status: criteria provided, conflicting classifications (1 of 4 stars). 8 submissions from 8 submitters: Likely pathogenic (3); Uncertain significance (4). 1 of the submissions does not count toward it. Last evaluated 2026-04-14.

Conditions:
Hereditary breast ovarian cancer syndrome. Also called: Hereditary breast and ovarian cancer; Hereditary breast and ovarian cancer syndrome (HBOC); Hereditary breast and/or ovarian cancer syndrome; BRCA1- and BRCA2-Associated Hereditary Breast and Ovarian Cancer; Breast and ovarian cancer; Hereditary breast and ovarian cancer syndrome. Identifiers: Orphanet 145, MedGen C0677776, MeSH D061325, MONDO:0003582. Disease mechanism: loss of function.
Hereditary cancer-predisposing syndrome. Also called: Neoplastic Syndromes, Hereditary; Tumor predisposition; Hereditary neoplastic syndrome; Hereditary Cancer Syndrome. Identifiers: Orphanet 140162, MedGen C0027672, MeSH D009386, MONDO:0015356.
Fanconi anemia complementation group O. Also called: RAD51C-Related Fanconi Anemia. Identifiers: Orphanet 84, MedGen C3150653, MONDO:0013248, OMIM 613390.
Breast-ovarian cancer, familial, susceptibility to, 3. Also called: RAD51C-Related Breast/Ovarian Cancer. Identifiers: Orphanet 145, MedGen C3150659, MONDO:0013253, OMIM 613399.
Malignant tumor of breast. Also called: Malignant breast neoplasm; Cancer breast. Identifiers: MedGen C0006142, MONDO:0007254. Disease mechanism: loss of function.

Submissions (8):

German Consortium for Hereditary Breast and Ovarian Cancer, University Hospital Cologne
Classification: Likely pathogenic for Hereditary breast ovarian cancer syndrome. Last evaluated: 2026-04-14. Review status: criteria provided, single submitter. Criteria: ACMG SVI. Collection method: curation. Allele origin: germline.
Comment: This classification follows the ACMG SVI adaptation classification scheme; We chose these criteria: PS3 (strong pathogenic): Olvera-León (2024, PMID: 39299233): fast depleted & Hu (2023, PMID: 37253112): damaging, PM2 (supporting pathogenic): absent from gnomAD v2/3/4, PP3 (supporting pathogenic): REVEL = 0.903 + Splice AI DG = 0.76

Ambry Genetics
Classification: Likely pathogenic for Hereditary cancer-predisposing syndrome. Last evaluated: 2025-09-03. Review status: criteria provided, single submitter. Criteria: Ambry Variant Classification Scheme 2023. Collection method: clinical testing. Allele origin: germline.
Comment: The p.D108G variant (also known as c.323A>G), located in coding exon 2 of the RAD51C gene, results from an A to G substitution at nucleotide position 323. The aspartic acid at codon 108 is replaced by glycine, an amino acid with similar properties. In multiple homology-directed DNA repair (HDR) assays, this alteration showed a functionally abnormal read-out (Hu C. et al Cancer Res 2023 Aug;83(15):2557-2571; Olvera-Le&oacute;n R et al Cell 2024 Oct;187(20):5719-5734.e19). This amino acid position is highly conserved in available vertebrate species. This variant is considered to be rare based on population cohorts in the Genome Aggregation Database (gnomAD). In addition, this alteration is predicted to be deleterious by in silico analysis. Based on the majority of available evidence to date, this variant is likely to be pathogenic.

Dasa
Classification: Uncertain significance. Last evaluated: 2025-02-03. Review status: criteria provided, single submitter. Criteria: DASA Assertion Criteria. Collection method: clinical testing. Allele origin: germline.
Comment: NM_058216.3(RAD51C):c.323A>G (p.Asp108Gly) is a missense variant that results in the substitution of aspartic acid with glycine. This variant is absent from population databases. Computational prediction algorithms are consistent with a deleterious effect. The currently available literature and clinical evidence are not sufficient to establish a definitive association between this variant and the reported condition. Therefore, this variant is classified as a variant of uncertain significance.

Myriad Genetics, Inc.
Classification: Likely pathogenic for Breast-ovarian cancer, familial, susceptibility to, 3. Last evaluated: 2024-11-27. Review status: criteria provided, single submitter. Criteria: Myriad Autosomal Dominant, Autosomal Recessive and X-Linked Classification Criteria (2023). Collection method: clinical testing. Allele origin: unknown.
Comment: This variant is considered likely pathogenic. Functional studies indicate this variant impacts protein function [PMID: 39299233, 37253112]. This variant is expected to disrupt protein structure [Myriad internal data].

Labcorp Genetics (formerly Invitae), Labcorp
Classification: Uncertain significance for Fanconi anemia complementation group O. Last evaluated: 2024-03-06. Review status: criteria provided, single submitter. Criteria: Invitae Variant Classification Sherloc (09022015). Collection method: clinical testing. Allele origin: germline.
Comment: This sequence change replaces aspartic acid, which is acidic and polar, with glycine, which is neutral and non-polar, at codon 108 of the RAD51C protein (p.Asp108Gly). This variant is not present in population databases (gnomAD no frequency). This variant has not been reported in the literature in individuals affected with RAD51C-related conditions. ClinVar contains an entry for this variant (Variation ID: 480494). Advanced modeling of protein sequence and biophysical properties (such as structural, functional, and spatial information, amino acid conservation, physicochemical variation, residue mobility, and thermodynamic stability) performed at Invitae indicates that this missense variant is expected to disrupt RAD51C protein function with a positive predictive value of 80%. Algorithms developed to predict the effect of sequence changes on RNA splicing suggest that this variant may disrupt the consensus splice site. In summary, the available evidence is currently insufficient to determine the role of this variant in disease. Therefore, it has been classified as a Variant of Uncertain Significance.

Color Diagnostics, LLC DBA Color Health
Classification: Uncertain significance for Hereditary cancer-predisposing syndrome. Last evaluated: 2024-02-02. Review status: criteria provided, single submitter. Criteria: ACMG Guidelines, 2015. Collection method: clinical testing. Allele origin: germline.
Comment: This missense variant replaces aspartic acid with glycine at codon 108 of the RAD51C protein. Computational prediction suggests that this variant may have deleterious impact on protein structure and function. Functional studies have shown that this variant had a deleterious impact on homology-directed repair, drug response, and foci formation (PMID: 37253112). To our knowledge, this variant has not been reported in individuals affected with RAD51C-related disorders in the literature. This variant has not been identified in the general population by the Genome Aggregation Database (gnomAD). The available evidence is insufficient to determine the role of this variant in disease conclusively. Therefore, this variant is classified as a Variant of Uncertain Significance.

Laboratorio de Genetica e Diagnostico Molecular, Hospital Israelita Albert Einstein
Classification: Uncertain significance for Breast-ovarian cancer, familial, susceptibility to, 3. Last evaluated: 2023-02-10. Review status: criteria provided, single submitter. Criteria: ACMG Guidelines, 2015. Collection method: clinical testing. Allele origin: germline. Affected: yes. Observed: 1 variant allele.
Comment: ACMG classification criteria: PS4 supporting, PM2 moderated, PP3 supporting

Department of Pathology and Laboratory Medicine, Sinai Health System
Classification: Uncertain significance for Malignant tumor of breast. Review status: no assertion criteria provided. Collection method: clinical testing. Allele origin: unknown. Affected: yes. Study: The Canadian Open Genetics Repository (COGR). Not counted in ClinVar's aggregate classification.
Comment: The RAD51C p.Asp108Gly variant was not identified in the literature nor was it identified in the dbSNP, Cosmic, MutDB, or LOVD 3.0 databases. The variant was identified in ClinVar (classified as uncertain significance by Ambry Genetics and Invitae). The variant was not identified in the following control databases: the Exome Aggregation Consortium (August 8th 2016), or the Genome Aggregation Database (Feb 27, 2017). The p.Asp108 residue is conserved across mammals and other organisms, and computational analyses (PolyPhen-2, SIFT, AlignGVGD, BLOSUM, MutationTaster) suggest that the variant may impact the protein; however, this information is not predictive enough to assume pathogenicity. The variant occurs outside of the splicing consensus sequence and 2 of 4 in silico or computational prediction software programs (SpliceSiteFinder, MaxEntScan, NNSPLICE, GeneSplicer) predict a greater than 10% difference in splicing; this is not very predictive of pathogenicity. In summary, based on the above information the clinical significance of this variant cannot be determined with certainty at this time. This variant is classified as a variant of uncertain significance.

Literature cited by the submitters: PubMed 32885271 (cited by Ambry Genetics); PubMed 35980532 (cited by Ambry Genetics); PubMed 37253112 (cited by 3 submitters); PubMed 39299233 (cited by Myriad Genetics, Inc.).